The following is an entry in ClinVar:

ClinVar aggregate classification (germline): Uncertain significance (1 of 4 stars; one submission).

Conditions:
Aortic aneurysm, familial thoracic 8 (AAT8). Identifiers: MedGen C3809513, MONDO:0014187, OMIM 615436.

Submission:

Labcorp Genetics (formerly Invitae), Labcorp
Classification: Uncertain significance for Aortic aneurysm, familial thoracic 8. Last evaluated: 2021-04-19. Review status: criteria provided, single submitter. Criteria: Invitae Variant Classification Sherloc (09022015). Collection method: clinical testing. Allele origin: germline.
Comment: In summary, the available evidence is currently insufficient to determine the role of this variant in disease. Therefore, it has been classified as a Variant of Uncertain Significance. Experimental studies and prediction algorithms are not available or were not evaluated, and the functional significance of this variant is currently unknown. This variant has not been reported in the literature in individuals with PRKG1-related conditions. The frequency data for this variant in the population databases is not available, as this variant may be reported as separate entries in the ExAC database. This sequence change replaces glutamine with lysine at codon 266 of the PRKG1 protein (p.Gln266Lys). The glutamine residue is highly conserved and there is a small physicochemical difference between glutamine and lysine.

NM_006258.4(PRKG1):c.795_796delinsAA (p.Gln266Lys)

Gene: PRKG1 (protein kinase cGMP-dependent 1; plus strand). Cytogenetic location: 10q21.1.
Variant type: Indel.
Coding change: c.795_796delinsAA on transcript NM_006258.4 (MANE Select); coding-DNA positions 795 to 796, GC replaced by AA.
Protein change: p.Gln266Lys; replaces glutamine 266 with lysine.
Molecular consequence: missense variant. On other transcripts: 5 prime UTR variant (1).
Genome position (GRCh38, 1-based): chr10:52,054,516-52,054,517, GC replaced by AA. VCF-style: chr10-52054516-GC-AA. GRCh37 (hg19) VCF-style: chr10-53814276-GC-AA.
Other names: c.750_751delinsAA, p.Gln251Lys (NM_001098512.3); c.-415_-414delinsAA (NM_001374781.1); c.795_796delinsAA, p.Gln266Lys (NM_001374782.1); short protein forms Q251K, Q266K.
Identifiers: ClinVar variation 1489279 (VCV001489279.6), dbSNP rs2133254668, ClinGen allele CA2573145115.